The following is an entry in ClinVar:

ClinVar aggregate classification (germline): Uncertain significance (1 of 4 stars; one submission).

Submission:

GeneDx
Classification: Uncertain significance. Last evaluated: 2026-05-21. Review status: criteria provided, single submitter. Criteria: GeneDx Variant Classification Process June 2021. Collection method: clinical testing. Allele origin: germline.
Comment: Has not been previously published as pathogenic or benign to our knowledge; In silico analysis does not support a benign or deleterious effect of this variant on protein structure/function

NM_001012759.3(CTU2):c.1501_1503delinsTGC (p.Arg501Cys)

Gene: CTU2 (cytosolic thiouridylase subunit 2; plus strand). Cytogenetic location: 16q24.3.
Variant type: Indel.
Coding change: c.1501_1503delinsTGC on transcript NM_001012759.3 (MANE Select); coding-DNA positions 1501 to 1503, CGG replaced by TGC.
Protein change: p.Arg501Cys; replaces arginine 501 with cysteine.
Molecular consequence: missense variant.
Genome position (GRCh38, 1-based): chr16:88,715,204-88,715,206, CGG replaced by TGC. VCF-style: chr16-88715204-CGG-TGC. GRCh37 (hg19) VCF-style: chr16-88781612-CGG-TGC.
Other names: c.1442_1444delinsTGC, p.Pro481_Gly482delinsLeuArg (NM_001012762.3); c.1714_1716delinsTGC, p.Arg572Cys (NM_001318507.2); c.1240_1242delinsTGC, p.Arg414Cys (NM_001318513.2); short protein forms R414C, R501C, R572C.
Identifiers: ClinVar variation 3365763 (VCV003365763.2).